The following is an entry in ClinVar:

NM_000195.5(HPS1):c.233_242del (p.Asn78fs)

Gene: HPS1 (HPS1 biogenesis of lysosomal organelles complex 3 subunit 1; minus strand). Cytogenetic location: 10q24.2.
Variant type: Deletion.
Coding change: c.233_242del on transcript NM_000195.5 (MANE Select); coding-DNA positions 233 to 242, 10 bases deleted (ACTTCCTGTA; older notation c.233_242delACTTCCTGTA).
Protein change: p.Asn78fs; shifts the reading frame from asparagine 78.
Molecular consequence: frameshift variant. On other transcripts: 5 prime UTR variant (3).
Genome position (GRCh38, 1-based): chr10:98,435,648-98,435,657, TACAGGAAGT deleted on the plus strand (ACTTCCTGTA on the coding strand, the reverse complement: HPS1 is on the minus strand); deleting any 10 consecutive bases within chr10:98,435,648-98,435,658 gives the same sequence; the c. name uses the placement nearest the transcript's 3' end. VCF-style (leftmost placement, unchanged base first): chr10-98435647-ATACAGGAAGT-A. GRCh37 (hg19) VCF-style: chr10-100195404-ATACAGGAAGT-A.
Other names: NM_000195.5(HPS1):c.233_242del; p.Asn78fs; c.233_242del10 (NM_000195.4); c.233_242del, p.Asn78fs (NM_001322482.2, NM_001322490.2, NM_001322491.2 and 8 more transcripts); c.7_16del, p.Thr3fs (NM_001322483.2, NM_001322484.2, NM_001322485.2); c.-783_-774del (NM_001322487.2); c.-541_-532del (NM_001322489.2); c.-684_-675del (NM_001311345.2); short protein forms N78fs, T3fs.
Identifiers: ClinVar variation 435451 (VCV000435451.20), dbSNP rs773323079, ClinGen allele CA5639469.

ClinVar aggregate classification (germline): Pathogenic/Likely pathogenic. Review status: criteria provided, multiple submitters, no conflicts (2 of 4 stars). 6 submissions from 6 submitters: Pathogenic (3); Likely pathogenic (3). Last evaluated 2025-08-19.

Conditions:
HPS1-related disorder. Also called: HPS1-related condition.
Hermansky-Pudlak syndrome (HPS). Also called: ALBINISM WITH HEMORRHAGIC DIATHESIS AND PIGMENTED RETICULOENDOTHELIAL CELLS. Identifiers: Orphanet 79430, MedGen C0079504, MONDO:0019312.
Hermansky-Pudlak syndrome 1 (HPS1). Also called: DELTA STORAGE POOL DISEASE. Identifiers: Orphanet 231500, Orphanet 79430, MedGen C2931875, MONDO:0008748, OMIM 203300.

Submissions (6):

Myriad Genetics, Inc.
Classification: Pathogenic for Hermansky-Pudlak syndrome 1. Last evaluated: 2025-08-19. Review status: criteria provided, single submitter. Criteria: Myriad Autosomal Dominant, Autosomal Recessive and X-Linked Classification Criteria (2023). Collection method: clinical testing. Allele origin: unknown.
Comment: NM_000195.3(HPS1):c.233_242del10(N78Mfs*43) is a frameshift variant classified as pathogenic in the context of Hermansky-Pudlak syndrome, HPS1-related. N78Mfs*43 has not been observed in cases with relevant disease. Relevant functional assessments of this variant are not available in the literature. N78Mfs*43 has been observed in referenced population frequency databases. In summary, NM_000195.3(HPS1):c.233_242del10(N78Mfs*43) is a frameshift variant in a gene where loss of function is a known mechanism of disease and is predicted to disrupt protein function. Please note: this variant was assessed in the context of healthy population screening.

Fulgent Genetics
Classification: Likely pathogenic for Hermansky-Pudlak syndrome 1. Last evaluated: 2024-06-15. Review status: criteria provided, single submitter. Criteria: ACMG Guidelines, 2015. Collection method: clinical testing. Allele origin: germline.

Labcorp Genetics (formerly Invitae), Labcorp
Classification: Pathogenic. Last evaluated: 2023-10-27. Review status: criteria provided, single submitter. Criteria: Invitae Variant Classification Sherloc (09022015). Collection method: clinical testing. Allele origin: germline.
Comment: This sequence change creates a premature translational stop signal (p.Asn78Metfs*43) in the HPS1 gene. It is expected to result in an absent or disrupted protein product. Loss-of-function variants in HPS1 are known to be pathogenic (PMID: 12442288, 16185271). This variant is present in population databases (rs773323079, gnomAD 0.0009%). This variant has not been reported in the literature in individuals affected with HPS1-related conditions. ClinVar contains an entry for this variant (Variation ID: 435451). For these reasons, this variant has been classified as Pathogenic.

PreventionGenetics, part of Exact Sciences
Classification: Likely pathogenic for HPS1-related condition. Last evaluated: 2023-05-11. Review status: criteria provided, single submitter. Criteria: ACMG Guidelines, 2015. Collection method: clinical testing. Allele origin: germline.
Comment: The HPS1 c.233_242del10 variant is predicted to result in a frameshift and premature protein termination (p.Asn78Metfs*43). To our knowledge, this variant has not been reported in the literature. This variant is reported in 0.00088% of alleles in individuals of European (Non-Finnish) descent in gnomAD. Frameshift variants in HPS1 are expected to be pathogenic. Therefore we interpret c.233_242del (p.Asn78Metfs*43) as likely pathogenic.

Broad Center for Mendelian Genomics, Broad Institute of MIT and Harvard
Classification: Likely pathogenic for Hermansky-Pudlak syndrome. Last evaluated: 2021-12-10. Review status: criteria provided, single submitter. Criteria: ACMG Guidelines, 2015. Collection method: curation. Allele origin: germline. Inheritance: Autosomal recessive inheritance.
Comment: The p.Asn78fs variant in HPS1 has not been previously reported in individuals with Hermansky-Pudlak syndrome but has been identified in 0.0009% (1/113770) of European (non-Finnish) chromosomes by the Genome Aggregation Database (gnomAD; dbSNP ID: rs773323079). Although this variant has been seen in the general population in a heterozygous state, its frequency is low enough to be consistent with a recessive carrier frequency. This variant has also been reported in ClinVar (Variation ID#: 435451) and has been interpreted as pathogenic by Invitae and Genetic Services Laboratory (University of Chicago). This variant is predicted to cause a frameshift, which alters the protein’s amino acid sequence beginning at position 78 and leads to a premature termination codon 43 amino acids downstream. This alteration is then predicted to lead to a truncated or absent protein. Loss of function of the HPS1 gene is an established disease mechanism in autosomal recessive Hermansky-Pudlak syndrome. In summary, although additional studies are required to fully establish its clinical significance, this variant is likely pathogenic for autosomal recessive Hermansky-Pudlak syndrome. ACMG/AMP Criteria applied: PVS1, PM2 (Richards 2015).

Genetic Services Laboratory, University of Chicago
Classification: Pathogenic for Hermansky-Pudlak syndrome 1. Last evaluated: 2017-03-17. Review status: criteria provided, single submitter. Criteria: ACMG Guidelines, 2015. Collection method: clinical testing. Allele origin: germline. Affected: yes.

Literature cited by the submitters: PubMed 12442288 (cited by Labcorp Genetics (formerly Invitae), Labcorp); PubMed 16185271 (cited by Labcorp Genetics (formerly Invitae), Labcorp).